The following is an entry in ClinVar:

NM_021008.4(DEAF1):c.375A>C (p.Ser125=)

Gene: DEAF1 (DEAF1 transcription factor; minus strand). Cytogenetic location: 11p15.5.
Variant type: single nucleotide variant.
Coding change: c.375A>C on transcript NM_021008.4 (MANE Select); coding-DNA position 375, A replaced by C.
Protein change: p.Ser125=; no amino-acid change (serine 125 retained).
Molecular consequence: synonymous variant. On other transcripts: 5 prime UTR variant (1).
Genome position (GRCh38, 1-based): chr11:691,513, T>G on the plus strand (A>C on the coding strand, the complement: DEAF1 is on the minus strand). VCF-style: chr11-691513-T-G. GRCh37 (hg19) VCF-style: chr11-691513-T-G.
Other names: c.375A>C, p.Ser125= (NM_001293634.2); c.-352A>C (NM_001367390.1).
Identifiers: ClinVar variation 3067327 (VCV003067327.21), dbSNP rs2494477512, ClinGen allele CA472334671.

ClinVar aggregate classification (germline): Likely benign (1 of 4 stars; one submission).

Submission:

CeGaT Center for Human Genetics Tuebingen
Classification: Likely benign. Last evaluated: 2024-08-01. Review status: criteria provided, single submitter. Criteria: CeGaT Center For Human Genetics Tuebingen Variant Classification Criteria Version 2. Collection method: clinical testing. Allele origin: germline. Affected: yes. Observed: 2 variant alleles.
Comment: DEAF1: BP4, BP7